The following is an entry in ClinVar:

ClinVar aggregate classification (germline): Uncertain significance (1 of 4 stars; one submission).

Conditions:
Joubert syndrome. Also called: CEREBELLOPARENCHYMAL DISORDER IV; JOUBERT-BOLTSHAUSER SYNDROME; Familial aplasia of the vermis. Identifiers: Orphanet 475, MedGen C5979921, MONDO:0018772.

Submission:

Labcorp Genetics (formerly Invitae), Labcorp
Classification: Uncertain significance for Joubert syndrome. Last evaluated: 2021-08-02. Review status: criteria provided, single submitter. Criteria: Invitae Variant Classification Sherloc (09022015). Collection method: clinical testing. Allele origin: germline.
Comment: In summary, the available evidence is currently insufficient to determine the role of this variant in disease. Therefore, it has been classified as a Variant of Uncertain Significance. Advanced modeling of protein sequence and biophysical properties (such as structural, functional, and spatial information, amino acid conservation, physicochemical variation, residue mobility, and thermodynamic stability) performed at Invitae indicates that this missense variant is expected to disrupt AHI1 protein function. This variant has not been reported in the literature in individuals affected with AHI1-related conditions. This variant is not present in population databases (ExAC no frequency). This sequence change replaces serine with arginine at codon 862 of the AHI1 protein (p.Ser862Arg). The serine residue is highly conserved and there is a moderate physicochemical difference between serine and arginine.

NM_001134831.2(AHI1):c.2584A>C (p.Ser862Arg)

Gene: AHI1 (Abelson helper integration site 1; minus strand). Cytogenetic location: 6q23.3.
Variant type: single nucleotide variant.
Coding change: c.2584A>C on transcript NM_001134831.2 (MANE Select); coding-DNA position 2584, A replaced by C.
Protein change: p.Ser862Arg; replaces serine 862 with arginine.
Molecular consequence: missense variant.
Genome position (GRCh38, 1-based): chr6:135,428,668, T>G on the plus strand (A>C on the coding strand, the complement: AHI1 is on the minus strand). VCF-style: chr6-135428668-T-G. GRCh37 (hg19) VCF-style: chr6-135749806-T-G.
Other names: c.2584A>C, p.Ser862Arg (NM_001134832.2, NM_001350503.2, NM_001350504.2 and 2 more transcripts); short protein forms S862R.
Identifiers: ClinVar variation 1500061 (VCV001500061.6), dbSNP rs2128009310, ClinGen allele CA365742146.